The following is an entry in ClinVar:

NM_173628.4(DNAH17):c.9468C>T (p.Ser3156=)

Gene: DNAH17 (dynein axonemal heavy chain 17; minus strand). Cytogenetic location: 17q25.3.
Variant type: single nucleotide variant.
Coding change: c.9468C>T on transcript NM_173628.4 (MANE Select); coding-DNA position 9468, C replaced by T.
Protein change: p.Ser3156=; no amino-acid change (serine 3156 retained).
Molecular consequence: synonymous variant.
Genome position (GRCh38, 1-based): chr17:78,459,969, G>A on the plus strand (C>T on the coding strand, the complement: DNAH17 is on the minus strand). VCF-style: chr17-78459969-G-A. GRCh37 (hg19) VCF-style: chr17-76456051-G-A.
Identifiers: ClinVar variation 3042770 (VCV003042770.2), dbSNP rs34947727, ClinGen allele CA8801309.

ClinVar aggregate classification (germline): Likely benign (0 of 4 stars; one submission).

Conditions:
DNAH17-related disorder. Also called: DNAH17-related condition.

Allele frequency attached by ClinVar (database versions not stated): gnomAD exomes 0.00021; ExAC 0.00055; ESP Exome Variant Server 0.00154; gnomAD 0.00211; 1000 Genomes Project 0.00220; TOPMed 0.00221; 1000 Genomes Project 30x 0.00234.
gnomAD v4.1: 651 of 1,613,212 alleles (0.04%); highest among the groups gnomAD compares: African/African-American, 0.79%; 3 homozygotes.

Submission:

PreventionGenetics, part of Exact Sciences
Classification: Likely benign for DNAH17-related condition. Last evaluated: 2019-04-04. Review status: no assertion criteria provided. Collection method: clinical testing. Allele origin: germline.
Comment: This variant is classified as likely benign based on ACMG/AMP sequence variant interpretation guidelines (Richards et al. 2015 PMID: 25741868, with internal and published modifications).